The following is an entry in ClinVar:

ClinVar aggregate classification (germline): Uncertain significance (1 of 4 stars; one submission).

Conditions:
Majeed syndrome (MJDS). Also called: LPIN2-Related Majeed Syndrome; CHRONIC RECURRENT MULTIFOCAL OSTEOMYELITIS 1, WITH CONGENITAL DYSERYTHROPOIETIC ANEMIA, WITH OR WITHOUT NEUTROPHILIC DERMATOSIS. Identifiers: Orphanet 77297, MedGen C1864997, MONDO:0012316, OMIM 609628.

Allele frequency attached by ClinVar (database versions not stated): gnomAD exomes 0.00001 and 0.00002; gnomAD 0.00002.
gnomAD v4.1: 16 of 1,605,594 alleles (0.001%); highest among the groups gnomAD compares: African/African-American, 0.0013%; no homozygotes.

Submission:

Labcorp Genetics (formerly Invitae), Labcorp
Classification: Uncertain significance for Majeed syndrome. Last evaluated: 2025-01-27. Review status: criteria provided, single submitter. Criteria: Invitae Variant Classification Sherloc (09022015). Collection method: clinical testing. Allele origin: germline.
Comment: This sequence change replaces isoleucine, which is neutral and non-polar, with threonine, which is neutral and polar, at codon 67 of the LPIN2 protein (p.Ile67Thr). This variant is present in population databases (no rsID available, gnomAD 0.004%). This variant has not been reported in the literature in individuals affected with LPIN2-related conditions. ClinVar contains an entry for this variant (Variation ID: 647703). Invitae Evidence Modeling of protein sequence and biophysical properties (such as structural, functional, and spatial information, amino acid conservation, physicochemical variation, residue mobility, and thermodynamic stability) indicates that this missense variant is expected to disrupt LPIN2 protein function with a positive predictive value of 80%. In summary, the available evidence is currently insufficient to determine the role of this variant in disease. Therefore, it has been classified as a Variant of Uncertain Significance.

NM_001375808.2(LPIN2):c.200T>C (p.Ile67Thr)

Gene: LPIN2 (lipin 2; minus strand). Cytogenetic location: 18p11.31.
Variant type: single nucleotide variant.
Coding change: c.200T>C on transcript NM_001375808.2 (MANE Select); coding-DNA position 200, T replaced by C.
Protein change: p.Ile67Thr; replaces isoleucine 67 with threonine.
Molecular consequence: missense variant.
Genome position (GRCh38, 1-based): chr18:2,954,592, A>G on the plus strand (T>C on the coding strand, the complement: LPIN2 is on the minus strand). VCF-style: chr18-2954592-A-G. GRCh37 (hg19) VCF-style: chr18-2954590-A-G.
Other names: c.200T>C, p.Ile67Thr (NM_001375809.1, NM_014646.2); short protein forms I67T.
Identifiers: ClinVar variation 647703 (VCV000647703.8), dbSNP rs1385257235, ClinGen allele CA401710736.